The following is an entry in ClinVar:

ClinVar aggregate classification (germline): Uncertain significance. Review status: criteria provided, multiple submitters, no conflicts (2 of 4 stars). 5 submissions from 5 submitters: Uncertain significance (5). Last evaluated 2026-01-16.

Allele frequency attached by ClinVar (database versions not stated): ExAC 0.00007; gnomAD exomes 0.00012 and 0.00032; TOPMed 0.00017; gnomAD 0.00020 and 0.00021; ESP Exome Variant Server 0.00025.

Submissions (5):

Women's Health and Genetics/Laboratory Corporation of America, LabCorp
Classification: Uncertain significance. Last evaluated: 2026-01-16. Review status: criteria provided, single submitter. Criteria: LabCorp Variant Classification Summary - May 2015. Collection method: clinical testing. Allele origin: germline.
Comment: Variant summary: OTULIN c.635A>G (p.Gln212Arg) results in a conservative amino acid change in the encoded protein sequence. Algorithms developed to predict the effect of missense changes on protein structure and function are either unavailable or do not agree on the potential impact of this missense change. The variant allele was found at a frequency of 0.00012 in 249418 control chromosomes. This frequency is not significantly higher than estimated for disease-causing variants in OTULIN, allowing no conclusion about variant significance. To our knowledge, no occurrence of c.635A>G in individuals affected with OTULIN-related conditions and no experimental evidence demonstrating its impact on protein function have been reported. ClinVar contains an entry for this variant (Variation ID: 1359906). Based on the evidence outlined above, the variant was classified as uncertain significance.

Labcorp Genetics (formerly Invitae), Labcorp
Classification: Uncertain significance. Last evaluated: 2025-12-29. Review status: criteria provided, single submitter. Criteria: Invitae Variant Classification Sherloc (09022015). Collection method: clinical testing. Allele origin: germline.
Comment: This sequence change replaces glutamine, which is neutral and polar, with arginine, which is basic and polar, at codon 212 of the OTULIN protein (p.Gln212Arg). This variant is present in population databases (rs369858491, gnomAD 0.03%). This variant has not been reported in the literature in individuals affected with OTULIN-related conditions. ClinVar contains an entry for this variant (Variation ID: 1359906). Invitae Evidence Modeling of protein sequence and biophysical properties (such as structural, functional, and spatial information, amino acid conservation, physicochemical variation, residue mobility, and thermodynamic stability) indicates that this missense variant is not expected to disrupt OTULIN protein function with a negative predictive value of 80%. In summary, the available evidence is currently insufficient to determine the role of this variant in disease. Therefore, it has been classified as a Variant of Uncertain Significance.

Blueprint Genetics
Classification: Uncertain significance. Last evaluated: 2024-11-22. Review status: criteria provided, single submitter. Criteria: ACMG Guidelines, 2015. Collection method: clinical testing. Allele origin: germline.

CeGaT Center for Human Genetics Tuebingen
Classification: Uncertain significance. Last evaluated: 2023-05-01. Review status: criteria provided, single submitter. Criteria: CeGaT Center For Human Genetics Tuebingen Variant Classification Criteria Version 2. Collection method: clinical testing. Allele origin: germline. Affected: yes. Observed: 1 variant allele.
Comment: OTULIN: PM2

Ambry Genetics
Classification: Uncertain significance. Last evaluated: 2022-11-08. Review status: criteria provided, single submitter. Criteria: Ambry Variant Classification Scheme 2023. Collection method: clinical testing. Allele origin: germline.

NM_138348.6(OTULIN):c.635A>G (p.Gln212Arg)

Gene: OTULIN (OTU deubiquitinase with linear linkage specificity; plus strand). Cytogenetic location: 5p15.2.
Variant type: single nucleotide variant.
Coding change: c.635A>G on transcript NM_138348.6 (MANE Select); coding-DNA position 635, A replaced by G.
Protein change: p.Gln212Arg; replaces glutamine 212 with arginine.
Molecular consequence: missense variant.
Genome position (GRCh38, 1-based): chr5:14,690,079, A>G. VCF-style: chr5-14690079-A-G. GRCh37 (hg19) VCF-style: chr5-14690188-A-G.
Other names: c.635A>G (NM_138348.4); short protein forms Q212R.
Identifiers: ClinVar variation 1359906 (VCV001359906.34), dbSNP rs369858491, ClinGen allele CA3208661.